The following is an entry in ClinVar:

NM_001232.4(CASQ2):c.235C>T (p.Leu79Phe)

Gene: CASQ2 (calsequestrin 2; minus strand). Cytogenetic location: 1p13.1.
Variant type: single nucleotide variant.
Coding change: c.235C>T on transcript NM_001232.4 (MANE Select); coding-DNA position 235, C replaced by T.
Protein change: p.Leu79Phe; replaces leucine 79 with phenylalanine.
Molecular consequence: missense variant.
Genome position (GRCh38, 1-based): chr1:115,744,912, G>A on the plus strand (C>T on the coding strand, the complement: CASQ2 is on the minus strand). VCF-style: chr1-115744912-G-A. GRCh37 (hg19) VCF-style: chr1-116287533-G-A.
Other names: short protein forms L79F.
Identifiers: ClinVar variation 453032 (VCV000453032.14), dbSNP rs771298193, ClinGen allele CA1023964.

ClinVar aggregate classification (germline): Uncertain significance. Review status: criteria provided, multiple submitters, no conflicts (2 of 4 stars). 5 submissions from 5 submitters: Uncertain significance (5). Last evaluated 2025-01-21.

Conditions:
Cardiovascular phenotype. Identifiers: MedGen CN230736.
Catecholaminergic polymorphic ventricular tachycardia 1. Also called: VENTRICULAR TACHYCARDIA, CATECHOLAMINERGIC POLYMORPHIC, 1, WITH OR WITHOUT ATRIAL DYSFUNCTION AND/OR DILATED CARDIOMYOPATHY; VENTRICULAR TACHYCARDIA, STRESS-INDUCED POLYMORPHIC 1; RYR2-Related Catecholaminergic Polymorphic Ventricular Tachycardia. Identifiers: Orphanet 3286, MedGen C1631597, MONDO:0011484, OMIM 604772.
Catecholaminergic polymorphic ventricular tachycardia 2. Also called: CASQ2-Related Catecholaminergic Polymorphic Ventricular Tachycardia; VENTRICULAR TACHYCARDIA, STRESS-INDUCED POLYMORPHIC 2. Identifiers: Orphanet 3286, MedGen C2677794, MONDO:0012762, OMIM 611938.

Allele frequency attached by ClinVar (database versions not stated): ExAC 0.00001; gnomAD exomes 0.00001 and 0.00002; gnomAD 0.00007 and 0.00009; TOPMed 0.00010.

Submissions (5):

GeneDx
Classification: Uncertain significance. Last evaluated: 2025-01-21. Review status: criteria provided, single submitter. Criteria: GeneDx Variant Classification Process June 2021. Collection method: clinical testing. Allele origin: germline. Affected: yes.
Comment: In silico analysis supports that this missense variant has a deleterious effect on protein structure/function; Has not been previously published as pathogenic or benign to our knowledge

Ambry Genetics
Classification: Uncertain significance for Cardiovascular phenotype. Last evaluated: 2024-08-11. Review status: criteria provided, single submitter. Criteria: Ambry Variant Classification Scheme 2023. Collection method: clinical testing. Allele origin: germline.
Comment: The p.L79F variant (also known as c.235C>T) is located in coding exon 2 of the CASQ2 gene. The leucine at codon 79 is replaced by phenylalanine, an amino acid with highly similar properties. This change occurs in the first base pair of coding exon 2. This amino acid position is highly conserved in available vertebrate species. In addition, the in silico prediction for this alteration is inconclusive. Since supporting evidence is limited at this time, the clinical significance of this alteration remains unclear.

Genome-Nilou Lab
Classification: Uncertain significance for Catecholaminergic polymorphic ventricular tachycardia 2. Last evaluated: 2023-04-11. Review status: criteria provided, single submitter. Criteria: ACMG Guidelines, 2015. Collection method: clinical testing. Allele origin: germline. Affected: no.

Fulgent Genetics
Classification: Uncertain significance for Catecholaminergic polymorphic ventricular tachycardia 1; Catecholaminergic polymorphic ventricular tachycardia 2. Last evaluated: 2021-11-20. Review status: criteria provided, single submitter. Criteria: ACMG Guidelines, 2015. Collection method: clinical testing. Allele origin: unknown.

Labcorp Genetics (formerly Invitae), Labcorp
Classification: Uncertain significance for Catecholaminergic polymorphic ventricular tachycardia 1. Last evaluated: 2021-09-02. Review status: criteria provided, single submitter. Criteria: Invitae Variant Classification Sherloc (09022015). Collection method: clinical testing. Allele origin: germline.
Comment: This sequence change replaces leucine with phenylalanine at codon 79 of the CASQ2 protein (p.Leu79Phe). The leucine residue is highly conserved and there is a small physicochemical difference between leucine and phenylalanine. This variant is present in population databases (rs771298193, ExAC 0.01%). This variant has not been reported in the literature in individuals affected with CASQ2-related conditions. ClinVar contains an entry for this variant (Variation ID: 453032). Algorithms developed to predict the effect of missense changes on protein structure and function are either unavailable or do not agree on the potential impact of this missense change (SIFT: "Deleterious"; PolyPhen-2: "Probably Damaging"; Align-GVGD: "Class C0"). In summary, the available evidence is currently insufficient to determine the role of this variant in disease. Therefore, it has been classified as a Variant of Uncertain Significance.